The following is an entry in ClinVar:

NM_021830.5(TWNK):c.1214A>G (p.His405Arg)

Gene: TWNK (twinkle mtDNA helicase; plus strand). Cytogenetic location: 10q24.31.
Variant type: single nucleotide variant.
Coding change: c.1214A>G on transcript NM_021830.5 (MANE Select); coding-DNA position 1214, A replaced by G.
Protein change: p.His405Arg; replaces histidine 405 with arginine.
Molecular consequence: missense variant. On other transcripts: non-coding transcript variant (4), intron variant (3).
Genome position (GRCh38, 1-based): chr10:100,989,424, A>G. VCF-style: chr10-100989424-A-G. GRCh37 (hg19) VCF-style: chr10-102749181-A-G.
Other names: c.1214A>G, p.His405Arg (NM_001163812.2); c.-119-220A>G (NM_001163814.2, NM_001163813.2); c.-57-282A>G (NM_001368275.1); short protein forms H405R.
Identifiers: ClinVar variation 2752017 (VCV002752017.3), dbSNP rs2493634547, ClinGen allele CA378210094.

ClinVar aggregate classification (germline): Uncertain significance (1 of 4 stars; one submission).

gnomAD v4.1: 1 of 1,614,200 alleles (0.000062%); no homozygotes.

Submission:

Labcorp Genetics (formerly Invitae), Labcorp
Classification: Uncertain significance. Last evaluated: 2023-08-11. Review status: criteria provided, single submitter. Criteria: Invitae Variant Classification Sherloc (09022015). Collection method: clinical testing. Allele origin: germline.
Comment: In summary, the available evidence is currently insufficient to determine the role of this variant in disease. Therefore, it has been classified as a Variant of Uncertain Significance. Advanced modeling of protein sequence and biophysical properties (such as structural, functional, and spatial information, amino acid conservation, physicochemical variation, residue mobility, and thermodynamic stability) performed at Invitae indicates that this missense variant is expected to disrupt TWNK protein function. This variant has not been reported in the literature in individuals affected with TWNK-related conditions. This variant is not present in population databases (gnomAD no frequency). This sequence change replaces histidine, which is basic and polar, with arginine, which is basic and polar, at codon 405 of the TWNK protein (p.His405Arg).